The following is an entry in ClinVar:

ClinVar aggregate classification (germline): Uncertain significance. Review status: criteria provided, multiple submitters, no conflicts (2 of 4 stars). 2 submissions from 2 submitters: Uncertain significance (2). Last evaluated 2025-05-13.

Conditions:
Inborn genetic diseases. Identifiers: MedGen C0950123, MeSH D030342.

Allele frequency attached by ClinVar (database versions not stated): TOPMed below 0.00001; gnomAD exomes 0.00001 and 0.00002; ExAC 0.00003.
gnomAD v4.1: 14 of 1,614,104 alleles (0.00087%); highest among the groups gnomAD compares: Admixed American, 0.0017%; no homozygotes.

Submissions (2):

Ambry Genetics
Classification: Uncertain significance for Inborn genetic diseases. Last evaluated: 2025-05-13. Review status: criteria provided, single submitter. Criteria: Ambry Variant Classification Scheme 2023. Collection method: clinical testing. Allele origin: germline.

Labcorp Genetics (formerly Invitae), Labcorp
Classification: Uncertain significance. Last evaluated: 2021-11-12. Review status: criteria provided, single submitter. Criteria: Invitae Variant Classification Sherloc (09022015). Collection method: clinical testing. Allele origin: germline.
Comment: This sequence change replaces arginine, which is basic and polar, with glutamine, which is neutral and polar, at codon 500 of the CAD protein (p.Arg500Gln). This variant is present in population databases (rs758419246, gnomAD 0.004%). This variant has not been reported in the literature in individuals affected with CAD-related conditions. Algorithms developed to predict the effect of missense changes on protein structure and function (SIFT, PolyPhen-2, Align-GVGD) all suggest that this variant is likely to be tolerated. Algorithms developed to predict the effect of sequence changes on RNA splicing suggest that this variant may create or strengthen a splice site. In summary, the available evidence is currently insufficient to determine the role of this variant in disease. Therefore, it has been classified as a Variant of Uncertain Significance.

NM_004341.5(CAD):c.1499G>A (p.Arg500Gln)

Gene: CAD (carbamoyl-phosphate synthetase 2, aspartate transcarbamylase, and dihydroorotase; plus strand). Cytogenetic location: 2p23.3.
Variant type: single nucleotide variant.
Coding change: c.1499G>A on transcript NM_004341.5 (MANE Select); coding-DNA position 1499, G replaced by A.
Protein change: p.Arg500Gln; replaces arginine 500 with glutamine.
Molecular consequence: missense variant.
Genome position (GRCh38, 1-based): chr2:27,225,122, G>A. VCF-style: chr2-27225122-G-A. GRCh37 (hg19) VCF-style: chr2-27447990-G-A.
Other names: c.1499G>A, p.Arg500Gln (NM_001306079.2); c.1499G>A (NM_004341.3); short protein forms R500Q.
Identifiers: ClinVar variation 1515380 (VCV001515380.4), dbSNP rs758419246, ClinGen allele CA1572738.